The following is an entry in ClinVar:

NM_001048174.2(MUTYH):c.1357T>G (p.Phe453Val)

Gene: MUTYH (mutY DNA glycosylase; minus strand). Cytogenetic location: 1p34.1.
Variant type: single nucleotide variant.
Coding change: c.1357T>G on transcript NM_001048174.2 (MANE Select); coding-DNA position 1357, T replaced by G.
Protein change: p.Phe453Val; replaces phenylalanine 453 with valine.
Molecular consequence: missense variant. On other transcripts: non-coding transcript variant (7).
Genome position (GRCh38, 1-based): chr1:45,331,217, A>C on the plus strand (T>G on the coding strand, the complement: MUTYH is on the minus strand). VCF-style: chr1-45331217-A-C. GRCh37 (hg19) VCF-style: chr1-45796889-A-C.
Other names: c.1357T>G, p.Phe453Val (NM_001407070.1, NM_001407072.1, NM_001407073.1 and 6 more transcripts); c.1360T>G, p.Phe454Val (NM_001407071.1, NM_001407078.1, NM_001407086.1 and 1 more transcripts); c.1273T>G, p.Phe425Val (NM_001407075.1); c.1390T>G, p.Phe464Val (NM_001407077.1, NM_001293191.2, NM_001407069.1); c.1318T>G, p.Phe440Val (NM_001407079.1); c.1315T>G, p.Phe439Val (NM_001407080.1); c.1441T>G, p.Phe481Val (NM_001128425.2); c.1402T>G, p.Phe468Val (NM_001293190.2); and 5 more; short protein forms F425V, F440V, F464V, F478V, F338V, F453V, F454V, F460V.
Identifiers: ClinVar variation 4113253 (VCV004113253.1).

ClinVar aggregate classification (germline): Uncertain significance (1 of 4 stars; one submission).

Conditions:
Hereditary cancer-predisposing syndrome. Also called: Tumor predisposition; Neoplastic Syndromes, Hereditary; Hereditary neoplastic syndrome; Hereditary Cancer Syndrome. Identifiers: Orphanet 140162, MedGen C0027672, MeSH D009386, MONDO:0015356.

Submission:

Ambry Genetics
Classification: Uncertain significance for Hereditary cancer-predisposing syndrome. Last evaluated: 2025-08-27. Review status: criteria provided, single submitter. Criteria: Ambry Variant Classification Scheme 2023. Collection method: clinical testing. Allele origin: germline.
Comment: The p.F481V variant (also known as c.1441T>G), located in coding exon 14 of the MUTYH gene, results from a T to G substitution at nucleotide position 1441. The phenylalanine at codon 481 is replaced by valine, an amino acid with highly similar properties. This amino acid position is conserved. In addition, this alteration is predicted to be deleterious by in silico analysis. Based on the available evidence, the clinical significance of this variant remains unclear.